The following is an entry in ClinVar:

ClinVar aggregate classification (germline): Uncertain significance (1 of 4 stars; one submission).

Allele frequency attached by ClinVar (database versions not stated): gnomAD exomes 0.00001 and 0.00002; TOPMed 0.00001; ExAC 0.00002.
gnomAD v4.1: 26 of 1,613,422 alleles (0.0016%); highest among the groups gnomAD compares: East Asian, 0.0089%; no homozygotes.

Submission:

GeneDx
Classification: Uncertain significance. Last evaluated: 2019-12-12. Review status: criteria provided, single submitter. Criteria: GeneDx Variant Classification Process June 2021. Collection method: clinical testing. Allele origin: germline. Affected: yes.
Comment: In silico analysis, which includes protein predictors and evolutionary conservation, supports a deleterious effect; Has not been previously published as pathogenic or benign to our knowledge

NM_001371928.1(AHDC1):c.3479C>T (p.Ser1160Leu)

Gene: AHDC1 (AT-hook DNA binding motif containing 1; minus strand). Cytogenetic location: 1p36.11.
Variant type: single nucleotide variant.
Coding change: c.3479C>T on transcript NM_001371928.1 (MANE Select); coding-DNA position 3479, C replaced by T.
Protein change: p.Ser1160Leu; replaces serine 1160 with leucine.
Molecular consequence: missense variant.
Genome position (GRCh38, 1-based): chr1:27,548,637, G>A on the plus strand (C>T on the coding strand, the complement: AHDC1 is on the minus strand). VCF-style: chr1-27548637-G-A. GRCh37 (hg19) VCF-style: chr1-27875148-G-A.
Other names: c.3479C>T, p.Ser1160Leu (NM_001029882.3); short protein forms S1160L.
Identifiers: ClinVar variation 1311092 (VCV001311092.2), dbSNP rs747152737, ClinGen allele CA715552.
Genomic context (GRCh38, chr1:27,548,637, plus strand): 5'-CCGCCACCAACCGGCTGATTGAACTGGGTGCTGTCGGAGGATGACTCAGAGAAGGTCTCC[G>A]ACACAGCCGTCTGCTGCTTCACCTTCTGCGGTGTGTAGTTGGAGATGTCCAGGATCACGT-3'
Protein context (NP_001358857.1, residues 1150-1170): PQKVKQQTAV[Ser1160Leu]ETFSESSSDS